The following is an entry in ClinVar:

NM_001130438.3(SPTAN1):c.3513ACA[1] (p.Gln1173del)

Gene: SPTAN1 (spectrin alpha, non-erythrocytic 1; plus strand). Cytogenetic location: 9q34.11.
Variant type: Microsatellite.
Coding change: c.3513ACA[1] on transcript NM_001130438.3 (MANE Select); one copy of the 3-base unit ACA starting at c.3513; the reference has two copies in a row; one copy, 3 bases deleted.
Protein change: p.Gln1173del; deletes glutamine 1173.
Molecular consequence: inframe deletion.
Genome position (GRCh38, 1-based): chr9:128,598,501-128,598,503, ACA deleted; deleting any 3 consecutive bases within chr9:128,598,496-128,598,503 gives the same sequence; the position shown is the placement nearest the transcript's 3' end. VCF-style (leftmost placement, unchanged base first): chr9-128598495-GCAA-G. GRCh37 (hg19) VCF-style: chr9-131360774-GCAA-G.
Other names: c.3453ACA[1], p.Gln1153del (NM_001195532.2, NM_001363765.2, NM_001375314.2); c.3513ACA[1], p.Gln1173del (NM_001363759.2, NM_001375310.1, NM_001375311.2 and 2 more transcripts); c.3549ACA[1], p.Gln1185del (NM_001375312.2, NM_001375318.1); short protein forms Q1153del, Q1173del, Q1185del.
Identifiers: ClinVar variation 3253405 (VCV003253405.1), dbSNP rs2541530978.

ClinVar aggregate classification (germline): Uncertain significance (1 of 4 stars; one submission).

Submission:

GeneDx
Classification: Uncertain significance. Last evaluated: 2023-06-04. Review status: criteria provided, single submitter. Criteria: GeneDx Variant Classification Process June 2021. Collection method: clinical testing. Allele origin: germline. Affected: yes.
Comment: Not observed at significant frequency in large population cohorts (gnomAD); In-frame deletion of 1 amino acid in a non-repeat region; In silico analysis supports a deleterious effect on protein structure/function; Has not been previously published as pathogenic or benign to our knowledge